The following is an entry in ClinVar:

NM_020779.4(WDR35):c.2548-23A>T

Gene: WDR35 (WD repeat domain 35; minus strand). Cytogenetic location: 2p24.1.
Variant type: single nucleotide variant.
Coding change: c.2548-23A>T on transcript NM_020779.4 (MANE Select); 23 bases into the intron before coding-DNA position 2548, A replaced by T.
Molecular consequence: intron variant.
Genome position (GRCh38, 1-based): chr2:19,933,534, T>A on the plus strand (A>T on the coding strand, the complement: WDR35 is on the minus strand). VCF-style: chr2-19933534-T-A. GRCh37 (hg19) VCF-style: chr2-20133295-T-A.
Other names: c.2581-23A>T (NM_001006657.2).
Identifiers: ClinVar variation 3898686 (VCV003898686.7).

ClinVar aggregate classification (germline): Uncertain significance (1 of 4 stars; one submission).

gnomAD v4.1: 1 of 1,588,794 alleles (0.000063%); no homozygotes.

Submission:

CeGaT Center for Human Genetics Tuebingen
Classification: Uncertain significance. Last evaluated: 2025-04-01. Review status: criteria provided, single submitter. Criteria: CeGaT Center For Human Genetics Tuebingen Variant Classification Criteria Version 2. Collection method: clinical testing. Allele origin: germline. Affected: yes. Observed: 1 variant allele.
Comment: WDR35: PM2, PM3:Supporting, PP3, PP4